The following is an entry in ClinVar:

NM_001312909.2(FAM111A):c.1154del (p.His385fs)

Gene: FAM111A (FAM111 trypsin like peptidase A; plus strand). Cytogenetic location: 11q12.1.
Variant type: Deletion.
Coding change: c.1154del on transcript NM_001312909.2 (MANE Select); coding-DNA position 1154, one base deleted (A; older notation c.1154delA).
Protein change: p.His385fs; shifts the reading frame from histidine 385.
Molecular consequence: frameshift variant.
Genome position (GRCh38, 1-based): chr11:59,152,822, A deleted. VCF-style (leftmost placement, unchanged base first): chr11-59152821-CA-C. GRCh37 (hg19) VCF-style: chr11-58920294-CA-C.
Other names: c.1154del, p.His385fs (NM_001142519.3, NM_001142520.3, NM_001142521.3 and 29 more transcripts); short protein forms H385fs.
Identifiers: ClinVar variation 3341832 (VCV003341832.16).

ClinVar aggregate classification (germline): Likely benign (1 of 4 stars; one submission).

Submission:

CeGaT Center for Human Genetics Tuebingen
Classification: Likely benign. Last evaluated: 2024-08-01. Review status: criteria provided, single submitter. Criteria: CeGaT Center For Human Genetics Tuebingen Variant Classification Criteria Version 2. Collection method: clinical testing. Allele origin: germline. Affected: yes. Observed: 1 variant allele.
Comment: FAM111A: BS2